The following is an entry in ClinVar:

ClinVar aggregate classification (germline): Likely benign (1 of 4 stars; one submission).

Submission:

CeGaT Center for Human Genetics Tuebingen
Classification: Likely benign. Last evaluated: 2025-08-01. Review status: criteria provided, single submitter. Criteria: CeGaT Center For Human Genetics Tuebingen Variant Classification Criteria Version 2. Collection method: clinical testing. Allele origin: germline. Affected: yes. Observed: 2 variant alleles.
Comment: RRBP1: BP4, BP7

NM_001365613.2(RRBP1):c.1071T>C (p.Asn357=)

Gene: RRBP1 (ribosome binding protein 1; minus strand). Cytogenetic location: 20p12.1.
Variant type: single nucleotide variant.
Coding change: c.1071T>C on transcript NM_001365613.2 (MANE Select); coding-DNA position 1071, T replaced by C.
Protein change: p.Asn357=; no amino-acid change (asparagine 357 retained).
Molecular consequence: synonymous variant. On other transcripts: intron variant (2).
Genome position (GRCh38, 1-based): chr20:17,659,437, A>G on the plus strand (T>C on the coding strand, the complement: RRBP1 is on the minus strand). VCF-style: chr20-17659437-A-G. GRCh37 (hg19) VCF-style: chr20-17640082-A-G.
Other names: c.528+543T>C (NM_004587.3, NM_001042576.2).
Identifiers: ClinVar variation 4083567 (VCV004083567.8).